The following is an entry in ClinVar:

NM_201384.3(PLEC):c.10296C>T (p.Ala3432=)

Gene: PLEC (plectin; minus strand). Cytogenetic location: 8q24.3.
Variant type: single nucleotide variant.
Coding change: c.10296C>T on transcript NM_201384.3 (MANE Select); coding-DNA position 10296, C replaced by T.
Protein change: p.Ala3432=; no amino-acid change (alanine 3432 retained).
Molecular consequence: synonymous variant.
Genome position (GRCh38, 1-based): chr8:143,919,525, G>A on the plus strand (C>T on the coding strand, the complement: PLEC is on the minus strand). VCF-style: chr8-143919525-G-A. GRCh37 (hg19) VCF-style: chr8-144993693-G-A.
Other names: c.10377C>T, p.Ala3459= (NM_000445.5); c.10254C>T, p.Ala3418= (NM_201378.4); c.10230C>T, p.Ala3410= (NM_201379.3); c.10707C>T, p.Ala3569= (NM_201380.4); c.10200C>T, p.Ala3400= (NM_201381.3); c.10296C>T, p.Ala3432= (NM_201382.4); c.10308C>T, p.Ala3436= (NM_201383.3).
Identifiers: ClinVar variation 512435 (VCV000512435.14), dbSNP rs201848957, ClinGen allele CA4924696.
Genomic context (GRCh38, chr8:143,919,525, plus strand): 5'-CTGCATGGCCTGGAAGAGGGAGATGGTGCTGCCCGAGTAGGGGTCTCTGTAGCCGGTGAC[G>A]GCCTTCTCGGCAGACAGCAGCTGCTCGTGAAGCTCGGGGCCCACCACGCCCGCCTTCACG-3'
Protein context (NP_958786.1, residues 3422-3442): LHEQLLSAEK[Ala3432=]VTGYRDPYSG

ClinVar aggregate classification (germline): Likely benign. Review status: criteria provided, multiple submitters, no conflicts (2 of 4 stars). 4 submissions from 4 submitters: Likely benign (4). Last evaluated 2026-08-03.

Conditions:
PLEC-related disorder. Also called: PLEC-related condition; PLEC-related disorders.
Autosomal recessive limb-girdle muscular dystrophy type 2Q (LGMDR17). Also called: MUSCULAR DYSTROPHY, LIMB-GIRDLE, AUTOSOMAL RECESSIVE 17. Identifiers: Orphanet 254361, MedGen C3150989, MONDO:0013390, OMIM 613723.
Epidermolysis bullosa simplex 5B, with muscular dystrophy (EBS5B). Also called: EPIDERMOLYSIS BULLOSA SIMPLEX AND LIMB-GIRDLE MUSCULAR DYSTROPHY; Epidermolysis bullosa simplex with muscular dystrophy. Identifiers: Orphanet 257, MedGen C2931072, MONDO:0009181, OMIM 226670.
Epidermolysis bullosa simplex, Ogna type (EBS5A). Also called: Pidermolysis bullosa simplex 5A, Ogna type; EPIDERMOLYSIS BULLOSA SIMPLEX 5A, OGNA TYPE. Identifiers: Orphanet 79401, MedGen C0432317, MONDO:0007555, OMIM 131950.
Epidermolysis bullosa simplex with nail dystrophy (EBS5D). Identifiers: MedGen C4225309, MONDO:0014661, OMIM 616487.
Epidermolysis bullosa simplex 5C, with pyloric atresia (EBS5C). Also called: PLEC-Related Epidermolysis Bullosa with Pyloric Atresia; Epidermolysis bullosa simplex with pyloric atresia; PLEC1-Related Epidermolysis Bullosa with Pyloric Atresia. Identifiers: Orphanet 158684, MedGen C2677349, MONDO:0012807, OMIM 612138.

Allele frequency attached by ClinVar (database versions not stated): TOPMed 0.00010.
gnomAD v4.1: 228 of 1,611,622 alleles (0.014%); highest among the groups gnomAD compares: Non-Finnish European, 0.018%; no homozygotes.

Submissions (4):

PreventionGenetics, part of Exact Sciences
Classification: Likely benign for PLEC-related condition. Last evaluated: 2026-08-03. Review status: criteria provided, single submitter. Criteria: ACMG Guidelines, 2015. Collection method: clinical testing. Allele origin: germline.
Comment: This variant is classified as likely benign based on ACMG/AMP sequence variant interpretation guidelines (Richards et al. 2015 PMID: 25741868, with internal and published modifications).

Labcorp Genetics (formerly Invitae), Labcorp
Classification: Likely benign for Autosomal recessive limb-girdle muscular dystrophy type 2Q; Epidermolysis bullosa simplex, Ogna type; Epidermolysis bullosa simplex with nail dystrophy; Epidermolysis bullosa simplex 5C, with pyloric atresia; Epidermolysis bullosa simplex 5B, with muscular dystrophy. Last evaluated: 2025-12-29. Review status: criteria provided, single submitter. Criteria: Invitae Variant Classification Sherloc (09022015). Collection method: clinical testing. Allele origin: germline.

Blueprint Genetics
Classification: Likely benign. Last evaluated: 2024-09-30. Review status: criteria provided, single submitter. Criteria: ACMG Guidelines, 2015. Collection method: clinical testing. Allele origin: germline.

GeneDx
Classification: Likely benign. Last evaluated: 2017-10-02. Review status: criteria provided, single submitter. Criteria: GeneDx Variant Classification (06012015). Collection method: clinical testing. Allele origin: germline. Affected: yes.
Comment: This variant is considered likely benign or benign based on one or more of the following criteria: it is a conservative change, it occurs at a poorly conserved position in the protein, it is predicted to be benign by multiple in silico algorithms, and/or has population frequency not consistent with disease.